The following is an entry in ClinVar:

ClinVar aggregate classification (germline): Likely pathogenic (1 of 4 stars; one submission).

Conditions:
IFT74-related disorder. Also called: IFT74-related condition; IFT74-Related Disorders.

gnomAD v4.1: 8 of 1,612,426 alleles (0.0005%); highest among the groups gnomAD compares: Non-Finnish European, 0.00068%; no homozygotes.

Submission:

PreventionGenetics, part of Exact Sciences
Classification: Likely pathogenic for IFT74-related condition. Last evaluated: 2026-08-26. Review status: criteria provided, single submitter. Criteria: ACMG Guidelines, 2015. Collection method: clinical testing. Allele origin: germline.
Comment: The IFT74 c.628C>T variant is predicted to result in premature protein termination (p.Gln210*). To our knowledge, this variant has not been reported in the literature or in a large population database (gnomAD), indicating this variant is rare. Nonsense variants in IFT74 are expected to be pathogenic. This variant is interpreted as likely pathogenic.

NM_025103.4(IFT74):c.628C>T (p.Gln210Ter)

Gene: IFT74 (intraflagellar transport 74; plus strand). Cytogenetic location: 9p21.2.
Variant type: single nucleotide variant.
Coding change: c.628C>T on transcript NM_025103.4 (MANE Select); coding-DNA position 628, C replaced by T.
Protein change: p.Gln210Ter; replaces glutamine 210 with a stop codon.
Molecular consequence: nonsense.
Genome position (GRCh38, 1-based): chr9:27,009,060, C>T. VCF-style: chr9-27009060-C-T. GRCh37 (hg19) VCF-style: chr9-27009058-C-T.
Other names: c.628C>T, p.Gln210Ter (NM_001099222.3, NM_001099223.3, NM_001099224.3 and 1 more transcripts); short protein forms Q210*.
Identifiers: ClinVar variation 4984526 (VCV004984526.1).